The following is an entry in ClinVar:

ClinVar aggregate classification (germline): Uncertain significance (1 of 4 stars; one submission).

Submission:

GeneDx
Classification: Uncertain significance. Last evaluated: 2023-05-15. Review status: criteria provided, single submitter. Criteria: GeneDx Variant Classification Process June 2021. Collection method: clinical testing. Allele origin: germline. Affected: yes.
Comment: Not observed at significant frequency in large population cohorts (gnomAD); Missense variants in this gene are often considered pathogenic (HGMD); In silico analysis supports that this missense variant has a deleterious effect on protein structure/function; Has not been previously published as pathogenic or benign to our knowledge

NM_001101.5(ACTB):c.668T>C (p.Phe223Ser)

Gene: ACTB (actin beta; minus strand). Cytogenetic location: 7p22.1.
Variant type: single nucleotide variant.
Coding change: c.668T>C on transcript NM_001101.5 (MANE Select); coding-DNA position 668, T replaced by C.
Protein change: p.Phe223Ser; replaces phenylalanine 223 with serine.
Molecular consequence: missense variant.
Genome position (GRCh38, 1-based): chr7:5,528,415, A>G on the plus strand (T>C on the coding strand, the complement: ACTB is on the minus strand). VCF-style: chr7-5528415-A-G. GRCh37 (hg19) VCF-style: chr7-5568046-A-G.
Other names: short protein forms F223S.
Identifiers: ClinVar variation 3343538 (VCV003343538.1).